The following is an entry in ClinVar:

NM_001110556.2(FLNA):c.1466G>T (p.Gly489Val)

Gene: FLNA (filamin A; minus strand). Cytogenetic location: Xq28.
Variant type: single nucleotide variant.
Coding change: c.1466G>T on transcript NM_001110556.2 (MANE Select); coding-DNA position 1466, G replaced by T.
Protein change: p.Gly489Val; replaces glycine 489 with valine.
Molecular consequence: missense variant.
Genome position (GRCh38, 1-based): chrX:154,365,450, C>A on the plus strand (G>T on the coding strand, the complement: FLNA is on the minus strand). VCF-style: chrX-154365450-C-A. GRCh37 (hg19) VCF-style: chrX-153593818-C-A.
Other names: c.1466G>T, p.Gly489Val (NM_001456.4); short protein forms G489V.
Identifiers: ClinVar variation 2926023 (VCV002926023.3), dbSNP rs2522757880, ClinGen allele CA415243510.

ClinVar aggregate classification (germline): Uncertain significance (1 of 4 stars; one submission).

Conditions:
Oto-palato-digital syndrome, type II (OPD2). Also called: Otopalatodigital Syndrome Type 2 (FLNA-OPD2); FACIOPALATOOSSEOUS SYNDROME; OPD II SYNDROME; Otopalatodigital Syndrome, Type II. Identifiers: Orphanet 669, Orphanet 90652, MedGen C1844696, MONDO:0010571, OMIM 304120.
Heterotopia, periventricular, X-linked dominant (PVNH1). Also called: PERIVENTRICULAR NODULAR HETEROTOPIA 1; X-linked periventricular heterotopia; PERIVENTRICULAR NODULAR HETEROTOPIA 4; HETEROTOPIA, PERIVENTRICULAR, 1. Identifiers: Orphanet 2149, Orphanet 82004, MedGen C1848213, MONDO:0010233, OMIM 300049.
Melnick-Needles syndrome (MNS). Also called: Melnick-Needles Syndrome (FLNA-MNS); MELNICK-NEEDLES OSTEODYSPLASTY; OSTEODYSPLASTY OF MELNICK AND NEEDLES. Identifiers: Orphanet 2484, MedGen C0025237, MONDO:0010650, OMIM 309350.
Frontometaphyseal dysplasia (FMD1). Identifiers: Orphanet 1826, MedGen C0265293, MONDO:0015942.

Allele frequency attached by ClinVar (database versions not stated): gnomAD exomes below 0.00001.
gnomAD v4.1: 4 of 1,211,391 alleles (0.00033%); highest among the groups gnomAD compares: Non-Finnish European, 0.00045%; no homozygotes.

Submission:

Labcorp Genetics (formerly Invitae), Labcorp
Classification: Uncertain significance for Oto-palato-digital syndrome, type II; Heterotopia, periventricular, X-linked dominant; Frontometaphyseal dysplasia; Melnick-Needles syndrome. Last evaluated: 2025-12-31. Review status: criteria provided, single submitter. Criteria: Invitae Variant Classification Sherloc (09022015). Collection method: clinical testing. Allele origin: germline.
Comment: This sequence change replaces glycine, which is neutral and non-polar, with valine, which is neutral and non-polar, at codon 489 of the FLNA protein (p.Gly489Val). This variant is not present in population databases (gnomAD no frequency). This variant has not been reported in the literature in individuals affected with FLNA-related conditions. ClinVar contains an entry for this variant (Variation ID: 2926023). Invitae Evidence Modeling of protein sequence and biophysical properties (such as structural, functional, and spatial information, amino acid conservation, physicochemical variation, residue mobility, and thermodynamic stability) has been performed for this missense variant. However, the output from this modeling did not meet the statistical confidence thresholds required to predict the impact of this variant on FLNA protein function. In summary, the available evidence is currently insufficient to determine the role of this variant in disease. Therefore, it has been classified as a Variant of Uncertain Significance.